The following is an entry in ClinVar:

NM_000443.4(ABCB4):c.449G>A (p.Arg150Lys)

Gene: ABCB4 (ATP binding cassette subfamily B member 4; minus strand). Cytogenetic location: 7q21.12.
Variant type: single nucleotide variant.
Coding change: c.449G>A on transcript NM_000443.4 (MANE Select); coding-DNA position 449, G replaced by A.
Protein change: p.Arg150Lys; replaces arginine 150 with lysine.
Molecular consequence: missense variant.
Genome position (GRCh38, 1-based): chr7:87,453,031, C>T on the plus strand (G>A on the coding strand, the complement: ABCB4 is on the minus strand). VCF-style: chr7-87453031-C-T. GRCh37 (hg19) VCF-style: chr7-87082347-C-T.
Other names: c.449G>A, p.Arg150Lys (NM_018849.3, NM_018850.3); short protein forms R150K.
Identifiers: ClinVar variation 812754 (VCV000812754.7), dbSNP rs757693457, ClinGen allele CA4327539.
Genomic context (GRCh38, chr7:87,453,031, plus strand): 5'-GTGTCGTTGATGTCAAACCATCCTATTTCCTGTCGTAGAATAGCATGAAAAAACTTCTGC[C>T]TAATTTTCCTGATCTGTCGACCAGCTGCCAAAGTCCAAAATGAAACTTGTATATAGGCAG-3'
Protein context (NP_000434.1, residues 140-160): LAAGRQIRKI[Arg150Lys]QKFFHAILRQ

ClinVar aggregate classification (germline): Conflicting classifications of pathogenicity. Review status: criteria provided, conflicting classifications (1 of 4 stars). 6 submissions from 6 submitters: Pathogenic (1); Likely pathogenic (3); Uncertain significance (1). 1 of the submissions does not count toward it. Last evaluated 2026-04-14.

Conditions:
Familial intrahepatic cholestasis. Identifiers: Orphanet 284385, MedGen CN296401, MONDO:0017290.
Progressive familial intrahepatic cholestasis (PFIC). Also called: Progressive intrahepatic cholestasis; Progressive family intrahepatic cholestasis. Identifiers: Orphanet 172, MedGen C0268312, MONDO:0015762.
Progressive familial intrahepatic cholestasis type 3. Also called: MDR3 DEFICIENCY; Low Gamma-GT Familial Intrahepatic Cholestasis. Identifiers: Orphanet 79305, MedGen C1865643, MONDO:0011214, OMIM 602347.
Cholestasis, intrahepatic, of pregnancy, 3. Identifiers: Orphanet 69665, MedGen C3554241, MONDO:0013995, OMIM 614972.
Low phospholipid associated cholelithiasis (GBD1). Also called: Gallstone cholecystitis; Gallbladder disease 1. Identifiers: Orphanet 69663, MedGen C2609268, MONDO:0010939, OMIM 600803.

Allele frequency attached by ClinVar (database versions not stated): ExAC 0.00001; gnomAD exomes 0.00001.

Submissions (6):

Genomenon, Inc
Classification: Likely pathogenic for Familial intrahepatic cholestasis. Last evaluated: 2026-04-14. Review status: criteria provided, single submitter. Criteria: Genomenon Sequence Variant Interpretation Standards - Updated. Collection method: curation. Allele origin: germline. Affected: yes.
Comment: ABCB4 p.Arg150Lys (c.449G>A) is a missense variant that changes the amino acid at residue 150 from Arginine to Lysine. This variant has been observed in at least one proband with an ABCB4-related disorder (PMID:12746424). The variant was found to segregate with disease in at least one affected family (PMID:12746424). Functional studies have been reported (PMID:12746424). It is absent or not present at a significant frequency in gnomAD. In silico models predict that this variant is possibly or probably damaging. In conclusion, we classify ABCB4 p.Arg150Lys (c.449G>A) as a likely pathogenic variant.

Fulgent Genetics
Classification: Likely pathogenic for Low phospholipid associated cholelithiasis; Progressive familial intrahepatic cholestasis type 3; Cholestasis, intrahepatic, of pregnancy, 3. Last evaluated: 2024-06-25. Review status: criteria provided, single submitter. Criteria: ACMG Guidelines, 2015. Collection method: clinical testing. Allele origin: germline.

Women's Health and Genetics/Laboratory Corporation of America, LabCorp
Classification: Pathogenic for Progressive familial intrahepatic cholestasis. Last evaluated: 2024-06-24. Review status: criteria provided, single submitter. Criteria: LabCorp Variant Classification Summary - May 2015. Collection method: clinical testing. Allele origin: germline.
Comment: Variant summary: ABCB4 c.449G>A (p.Arg150Lys) results in a conservative amino acid change located in the ABC transporter type 1, transmembrane domain (ABC transporter type 1, transmembrane domain) of the encoded protein sequence. Three of five in-silico tools predict a damaging effect of the variant on protein function. The variant allele was found at a frequency of 8e-06 in 251350 control chromosomes. c.449G>A has been reported in the literature in heterozygous individuals affected with intrahepatic cholestasis of pregnancy and in a compound heterozygous individual affected with Familial Intrahepatic Cholestasis (Mllenbach_2003, Turro_2020, Nayagam_2022). These data indicate that the variant is very likely to be associated with disease. To our knowledge, no experimental evidence demonstrating an impact on protein function has been reported. The following publications have been ascertained in the context of this evaluation (PMID: 12746424, 35894240, 32581362). ClinVar contains an entry for this variant (Variation ID: 812754). Based on the evidence outlined above, the variant was classified as pathogenic.

Blueprint Genetics
Classification: Uncertain significance. Last evaluated: 2024-04-29. Review status: criteria provided, single submitter. Criteria: ACMG Guidelines, 2015. Collection method: clinical testing. Allele origin: germline.

Victorian Clinical Genetics Services, Murdoch Childrens Research Institute
Classification: Likely pathogenic for Low phospholipid associated cholelithiasis. Last evaluated: 2023-07-17. Review status: criteria provided, single submitter. Criteria: ACMG Guidelines, 2015. Collection method: clinical testing. Allele origin: germline. Affected: yes.
Comment: Based on the classification scheme VCGS_Germline_v1.3.4, this variant is classified as Likely pathogenic. Following criteria are met: 0102 - Loss of function is a known mechanism of disease in this gene and is associated with intrahepatic cholestasis of pregnancy, 3 (ICP-3; MIM#614972), low phospholipid-associated cholelithiasis (LPAC; MIM# 600803) and progressive familial intrahepatic cholestasis, 3 (PFIC; MIM#602347). (I) 0108 - This gene is associated with both recessive and dominant disease. PFIC is inherited in a recessive manner, whereas ICP-3 and LPAC can be either dominant or recessive. Biallelic variants typically demonstrate less residual protein activity, resulting in earlier onset of the condition with a more severe phenotype (OMIM, PMIDs: 24806754, 32376413). (I) 0200 - Variant is predicted to result in a missense amino acid change from arginine to lysine. (I) 0251 - This variant is heterozygous. (I) 0304 - Variant is present in gnomAD (v2) <0.01 for a recessive condition (2 heterozygotes, 0 homozygotes). (SP) 0502 - Missense variant with conflicting in silico predictions and high conservation. (I) 0600 - Variant is located in the annotated ABC transporter transmembrane domain (DECIPHER) . (I) 0705 - No comparable missense variants have previous evidence for pathogenicity. (I) 0802 - This variant has moderate previous evidence of pathogenicity in unrelated individuals. This variant has been observed as heterozygous in one family and one unrelated individual with intrahepatic cholestasis of pregnancy (PMID: 12746424). This variant has also been observed with a canonical splice variant, c.834-1G>A, in a large rare disease cohort study; however, it is unclear if these two variants were in cis or in trans (PMID: 32581362). (SP) 0902 - This variant has moderate evidence for segregation with disease. This variant has been observed as heterozygous in one asymptomatic male and three females with intrahepatic cholestasis of pregnancy in one family (PMID: 12746424, 32581362). (SP) 1010 - Functional evidence for this variant is inconclusive. Functional studies using flow cytometry on a glycoprotein mutated with this variant show no difference in activity to wild type (PMID: 12746424). However, this variant could have a different effect on the protein that is not tested by this assay. (I) Legend: (SP) - Supporting pathogenic, (I) - Information, (SB) - Supporting benign

NIHR Bioresource Rare Diseases, University of Cambridge
Classification: Likely pathogenic for Cholestasis, intrahepatic, of pregnancy, 3. Review status: no assertion criteria provided. Collection method: research. Allele origin: unknown. Affected: yes. Observed: 1 variant allele. Not counted in ClinVar's aggregate classification.

Literature cited by the submitters: PubMed 12746424 (cited by 3 submitters); PubMed 32581362 (cited by 3 submitters); PubMed 35894240 (cited by Women's Health and Genetics/Laboratory Corporation of America, LabCorp); PubMed 24806754 (cited by Victorian Clinical Genetics Services, Murdoch Childrens Research Institute); PubMed 32376413 (cited by Victorian Clinical Genetics Services, Murdoch Childrens Research Institute).